The following is an entry in ClinVar:

NM_144670.6(A2ML1):c.1360G>T (p.Gly454Cys)

Gene: A2ML1 (alpha-2-macroglobulin like 1; plus strand). Cytogenetic location: 12p13.31.
Variant type: single nucleotide variant.
Coding change: c.1360G>T on transcript NM_144670.6 (MANE Select); coding-DNA position 1360, G replaced by T.
Protein change: p.Gly454Cys; replaces glycine 454 with cysteine.
Molecular consequence: missense variant.
Genome position (GRCh38, 1-based): chr12:8,843,245, G>T. VCF-style: chr12-8843245-G-T. GRCh37 (hg19) VCF-style: chr12-8995841-G-T.
Other names: short protein forms G454C.
Identifiers: ClinVar variation 4844955 (VCV004844955.1).

ClinVar aggregate classification (germline): Uncertain significance (1 of 4 stars; one submission).

gnomAD v4.1: 6 of 1,614,064 alleles (0.00037%); highest among the groups gnomAD compares: African/African-American, 0.0013%; no homozygotes.

Submission:

Ambry Genetics
Classification: Uncertain significance. Last evaluated: 2026-01-25. Review status: criteria provided, single submitter. Criteria: Ambry Variant Classification Scheme 2023. Collection method: clinical testing. Allele origin: germline.
Comment: The p.G454C variant (also known as c.1360G>T), located in coding exon 12 of the A2ML1 gene, results from a G to T substitution at nucleotide position 1360. The glycine at codon 454 is replaced by cysteine, an amino acid with highly dissimilar properties. This amino acid position is conserved. In addition, this alteration is predicted to be tolerated by in silico analysis. Based on the available evidence, the clinical significance of this variant remains unclear.